The following is an entry in ClinVar:

ClinVar aggregate classification (germline): Uncertain significance (1 of 4 stars; one submission).

gnomAD v4.1: 1 of 1,613,472 alleles (0.000062%); no homozygotes.

Submission:

Labcorp Genetics (formerly Invitae), Labcorp
Classification: Uncertain significance. Last evaluated: 2022-06-08. Review status: criteria provided, single submitter. Criteria: Invitae Variant Classification Sherloc (09022015). Collection method: clinical testing. Allele origin: germline.
Comment: This sequence change replaces leucine, which is neutral and non-polar, with valine, which is neutral and non-polar, at codon 113 of the GFER protein (p.Leu113Val). This variant is not present in population databases (gnomAD no frequency). This variant has not been reported in the literature in individuals affected with GFER-related conditions. Algorithms developed to predict the effect of missense changes on protein structure and function (SIFT, PolyPhen-2, Align-GVGD) all suggest that this variant is likely to be tolerated. In summary, the available evidence is currently insufficient to determine the role of this variant in disease. Therefore, it has been classified as a Variant of Uncertain Significance.

NM_005262.3(GFER):c.337C>G (p.Leu113Val)

Gene: GFER (growth factor, augmenter of liver regeneration; plus strand). Cytogenetic location: 16p13.3.
Variant type: single nucleotide variant.
Coding change: c.337C>G on transcript NM_005262.3 (MANE Select); coding-DNA position 337, C replaced by G.
Protein change: p.Leu113Val; replaces leucine 113 with valine.
Molecular consequence: missense variant.
Genome position (GRCh38, 1-based): chr16:1,984,825, C>G. VCF-style: chr16-1984825-C-G. GRCh37 (hg19) VCF-style: chr16-2034826-C-G.
Other names: short protein forms L113V.
Identifiers: ClinVar variation 1958934 (VCV001958934.5), dbSNP rs2083554725, ClinGen allele CA394302938.